The following is an entry in ClinVar:

ClinVar aggregate classification (germline): Uncertain significance (1 of 4 stars; one submission).

Conditions:
History of neurodevelopmental disorder. Identifiers: MedGen C2711754.

Allele frequency attached by ClinVar (database versions not stated): ESP Exome Variant Server 0.00019; TOPMed 0.00022; 1000 Genomes Project 30x 0.00083; 1000 Genomes Project 0.00106; gnomAD exomes 0.00160 and 0.00370; gnomAD 0.00246 and 0.00258; ExAC 0.00279.
gnomAD v4.1: 2,015 of 1,207,382 alleles (0.17%); highest among the groups gnomAD compares: Non-Finnish European, 0.029%; 24 homozygotes.

Submission:

Ambry Genetics
Classification: Uncertain significance for History of neurodevelopmental disorder. Last evaluated: 2011-08-15. Review status: criteria provided, single submitter. Criteria: Ambry Autosomal Dominant and X-Linked criteria (10/2015). Collection method: clinical testing. Allele origin: germline. Observed: 1 variant allele.
Comment: There is insufficient or conflicting evidence for classification of this alteration.

NM_020717.5(SHROOM4):c.509A>G (p.Tyr170Cys)

Gene: SHROOM4 (shroom family member 4; minus strand). Cytogenetic location: Xp11.22.
Variant type: single nucleotide variant.
Coding change: c.509A>G on transcript NM_020717.5 (MANE Select); coding-DNA position 509, A replaced by G.
Protein change: p.Tyr170Cys; replaces tyrosine 170 with cysteine.
Molecular consequence: missense variant. On other transcripts: non-coding transcript variant (4).
Genome position (GRCh38, 1-based): chrX:50,635,564, T>C on the plus strand (A>G on the coding strand, the complement: SHROOM4 is on the minus strand). VCF-style: chrX-50635564-T-C. GRCh37 (hg19) VCF-style: chrX-50378564-T-C.
Other names: short protein forms Y170C.
Identifiers: ClinVar variation 590244 (VCV000590244.3), dbSNP rs142052951, ClinGen allele CA10416350.